The following is an entry in ClinVar:

ClinVar aggregate classification (germline): Uncertain significance (1 of 4 stars; one submission).

Allele frequency attached by ClinVar (database versions not stated): TOPMed 0.00001; gnomAD exomes below 0.00001; ExAC 0.00001; gnomAD 0.00001.
gnomAD v4.1: 5 of 1,614,088 alleles (0.00031%); highest among the groups gnomAD compares: Admixed American, 0.0017%; no homozygotes.

Submission:

Labcorp Genetics (formerly Invitae), Labcorp
Classification: Uncertain significance. Last evaluated: 2025-09-15. Review status: criteria provided, single submitter. Criteria: Invitae Variant Classification Sherloc (09022015). Collection method: clinical testing. Allele origin: germline.
Comment: This sequence change replaces tyrosine, which is neutral and polar, with cysteine, which is neutral and slightly polar, at codon 233 of the ADNP protein (p.Tyr233Cys). This variant is present in population databases (rs779220115, gnomAD 0.003%). This variant has not been reported in the literature in individuals affected with ADNP-related conditions. ClinVar contains an entry for this variant (Variation ID: 2010674). An algorithm developed to predict the effect of missense changes on protein structure and function (PolyPhen-2) suggests that this variant is likely to be disruptive. In summary, the available evidence is currently insufficient to determine the role of this variant in disease. Therefore, it has been classified as a Variant of Uncertain Significance.

NM_001282531.3(ADNP):c.698A>G (p.Tyr233Cys)

Gene: ADNP (activity dependent neuroprotector homeobox; minus strand). Cytogenetic location: 20q13.13.
Variant type: single nucleotide variant.
Coding change: c.698A>G on transcript NM_001282531.3 (MANE Select); coding-DNA position 698, A replaced by G.
Protein change: p.Tyr233Cys; replaces tyrosine 233 with cysteine.
Molecular consequence: missense variant.
Genome position (GRCh38, 1-based): chr20:50,894,016, T>C on the plus strand (A>G on the coding strand, the complement: ADNP is on the minus strand). VCF-style: chr20-50894016-T-C. GRCh37 (hg19) VCF-style: chr20-49510553-T-C.
Other names: c.698A>G, p.Tyr233Cys (NM_001282532.2, NM_001347511.2, NM_015339.5 and 1 more transcripts); short protein forms Y233C.
Identifiers: ClinVar variation 2010674 (VCV002010674.4), dbSNP rs779220115, ClinGen allele CA9908844.
Genomic context (GRCh38, chr20:50,894,016, plus strand): 5'-GCAGTGACCTGATAGCCTATACGTTCATGGTCTTCGATGACATGCTGTACCAAAGCTTCA[T>C]AGGACTTTGGCATGAAAAGGCATCGCTTGCAGTGAATACTACTCTCTTCTCGGGCATTCG-3'
Protein context (NP_001269460.1, residues 223-243): CKRCLFMPKS[Tyr233Cys]EALVQHVIED